The following is an entry in ClinVar:

NM_015046.7(SETX):c.7073A>G (p.Asp2358Gly)

Gene: SETX (senataxin; minus strand). Cytogenetic location: 9q34.13.
Variant type: single nucleotide variant.
Coding change: c.7073A>G on transcript NM_015046.7 (MANE Select); coding-DNA position 7073, A replaced by G.
Protein change: p.Asp2358Gly; replaces aspartic acid 2358 with glycine.
Molecular consequence: missense variant.
Genome position (GRCh38, 1-based): chr9:132,275,283, T>C on the plus strand (A>G on the coding strand, the complement: SETX is on the minus strand). VCF-style: chr9-132275283-T-C. GRCh37 (hg19) VCF-style: chr9-135150670-T-C.
Other names: c.7073A>G, p.Asp2358Gly (NM_001351527.2, NM_001351528.2); short protein forms D2358G.
Identifiers: ClinVar variation 805433 (VCV000805433.7), dbSNP rs770469636, ClinGen allele CA5296526.

ClinVar aggregate classification (germline): Conflicting classifications of pathogenicity. Review status: criteria provided, conflicting classifications (1 of 4 stars). 4 submissions from 4 submitters: Uncertain significance (3); Benign (1). Last evaluated 2025-10-13.

Conditions:
SETX-related disorder. Also called: SETX-related condition; SETX-related disorders. Identifiers: MedGen CN239403.
Inborn genetic diseases. Identifiers: MedGen C0950123, MeSH D030342.
Spinocerebellar ataxia, autosomal recessive, with axonal neuropathy 2 (SCAN2). Also called: ATAXIA-OCULOMOTOR APRAXIA 2; Ataxia-ocular apraxia-2; Ataxia with Oculomotor Apraxia; Ataxia with Oculomotor Apraxia Type 2. Identifiers: Orphanet 64753, MedGen C1853761, MONDO:0018996, OMIM 606002.
Amyotrophic lateral sclerosis type 4 (ALS4). Also called: NEURONOPATHY, DISTAL HEREDITARY MOTOR, WITH PYRAMIDAL FEATURES; AMYOTROPHIC LATERAL SCLEROSIS 4, JUVENILE. Identifiers: Orphanet 357043, MedGen C1865409, MONDO:0011223, OMIM 602433.

Allele frequency attached by ClinVar (database versions not stated): ExAC 0.00002; gnomAD exomes 0.00002 and 0.00004; gnomAD 0.00004; TOPMed 0.00004.
gnomAD v4.1: 40 of 1,614,028 alleles (0.0025%); highest among the groups gnomAD compares: Admixed American, 0.018%; no homozygotes.

Submissions (4):

Labcorp Genetics (formerly Invitae), Labcorp
Classification: Benign for Amyotrophic lateral sclerosis type 4; Spinocerebellar ataxia, autosomal recessive, with axonal neuropathy 2. Last evaluated: 2025-10-13. Review status: criteria provided, single submitter. Criteria: Invitae Variant Classification Sherloc (09022015). Collection method: clinical testing. Allele origin: germline.

Ambry Genetics
Classification: Uncertain significance for Inborn genetic diseases. Last evaluated: 2025-03-22. Review status: criteria provided, single submitter. Criteria: Ambry Variant Classification Scheme 2023. Collection method: clinical testing. Allele origin: germline.

PreventionGenetics, part of Exact Sciences
Classification: Uncertain significance for SETX-related condition. Last evaluated: 2023-07-25. Review status: criteria provided, single submitter. Criteria: ACMG Guidelines, 2015. Collection method: clinical testing. Allele origin: germline.
Comment: The SETX c.7073A>G variant is predicted to result in the amino acid substitution p.Asp2358Gly. To our knowledge, this variant has not been reported in the literature. This variant is reported in 0.020% of alleles in individuals of Latino descent in gnomAD. At this time, the clinical significance of this variant is uncertain due to the absence of conclusive functional and genetic evidence.

Athena Diagnostics
Classification: Uncertain significance. Last evaluated: 2020-06-11. Review status: criteria provided, single submitter. Criteria: Athena Diagnostics Criteria. Collection method: clinical testing. Allele origin: unknown.